The following is an entry in ClinVar:

ClinVar aggregate classification (germline): Uncertain significance (1 of 4 stars; one submission).

Conditions:
Hereditary breast ovarian cancer syndrome. Also called: Hereditary breast and ovarian cancer syndrome; Hereditary breast and/or ovarian cancer syndrome; Hereditary breast and ovarian cancer syndrome (HBOC); Breast and ovarian cancer; BRCA1- and BRCA2-Associated Hereditary Breast and Ovarian Cancer; Hereditary breast and ovarian cancer. Identifiers: Orphanet 145, MedGen C0677776, MeSH D061325, MONDO:0003582. Disease mechanism: loss of function.

Submission:

Labcorp Genetics (formerly Invitae), Labcorp
Classification: Uncertain significance for Hereditary breast ovarian cancer syndrome. Last evaluated: 2022-09-25. Review status: criteria provided, single submitter. Criteria: Invitae Variant Classification Sherloc (09022015). Collection method: clinical testing. Allele origin: germline.
Comment: This variant results in a copy number gain of the genomic region encompassing exon(s) 1-21 of the BRCA1 gene. This region includes the initiator codon of the gene. This copy number gain extends beyond the assayed region for this gene and therefore may encompass additional genes. As the precise location of this event is unknown, it may be in tandem or it may be located elsewhere in the genome. This variant has not been reported in the literature in individuals affected with BRCA1-related conditions. Experimental studies and prediction algorithms are not available or were not evaluated, and the functional significance of this variant is currently unknown. In summary, the available evidence is currently insufficient to determine the role of this variant in disease. Therefore, it has been classified as a Variant of Uncertain Significance.

NC_000017.10:g.(?_41201118)_(41277500_?)dup

Genes: BRCA1 (BRCA1 DNA repair associated; minus strand), LOC126862571 (BRD4-independent group 4 enhancer GRCh37_chr17:41243136-41244335; plus strand), LOC111589215 (BRCA1 promoter region; plus strand), LOC111589216 (BRCA1 intron 2 regulatory region; plus strand), LOC110485084 (BRCA1 intronic recombination region; plus strand). Cytogenetic location: 17q21.31.
Variant type: Duplication.
Identifiers: ClinVar variation 583577 (VCV000583577.4).